The following is an entry in ClinVar:

NM_001297595.2(SIN3B):c.2224C>A (p.Leu742Ile)

Gene: SIN3B (SIN3 transcription regulator family member B; plus strand). Cytogenetic location: 19p13.11.
Variant type: single nucleotide variant.
Coding change: c.2224C>A on transcript NM_001297595.2 (MANE Select); coding-DNA position 2224, C replaced by A.
Protein change: p.Leu742Ile; replaces leucine 742 with isoleucine.
Molecular consequence: missense variant.
Genome position (GRCh38, 1-based): chr19:16,869,877, C>A. VCF-style: chr19-16869877-C-A. GRCh37 (hg19) VCF-style: chr19-16980688-C-A.
Other names: c.994C>A, p.Leu332Ile (NM_001297597.2); c.2320C>A, p.Leu774Ile (NM_015260.4); short protein forms L332I, L742I, L774I.
Identifiers: ClinVar variation 2039639 (VCV002039639.4), dbSNP rs773641631, ClinGen allele CA9283399.
Genomic context (GRCh38, chr19:16,869,877, plus strand): 5'-ACTGAGCAGCCACCCCTGCCGCCCCCAGCCCCGCACAAGCCCCTGGACGATGTCTACAGC[C>A]TATTTTTTGCCAACAACAACTGGTACTTCTTCCTGCGCCTGCACCAGACCCTGTGCTCCA-3'
Protein context (NP_001284524.1, residues 732-752): PHKPLDDVYS[Leu742Ile]FFANNNWYFF

ClinVar aggregate classification (germline): Uncertain significance (1 of 4 stars; one submission).

Allele frequency attached by ClinVar (database versions not stated): gnomAD exomes below 0.00001; TOPMed below 0.00001; ExAC 0.00001.
gnomAD v4.1: 1 of 1,614,258 alleles (0.000062%); highest among the groups gnomAD compares: Admixed American, 0.0017%; no homozygotes.

Submission:

Labcorp Genetics (formerly Invitae), Labcorp
Classification: Uncertain significance. Last evaluated: 2021-12-11. Review status: criteria provided, single submitter. Criteria: Invitae Variant Classification Sherloc (09022015). Collection method: clinical testing. Allele origin: germline.
Comment: In summary, the available evidence is currently insufficient to determine the role of this variant in disease. Therefore, it has been classified as a Variant of Uncertain Significance. Algorithms developed to predict the effect of missense changes on protein structure and function are either unavailable or do not agree on the potential impact of this missense change (SIFT: "Tolerated"; PolyPhen-2: "Possibly Damaging"; Align-GVGD: "Class C0"). This variant has not been reported in the literature in individuals affected with SIN3B-related conditions. This variant is present in population databases (rs773641631, gnomAD 0.006%). This sequence change replaces leucine, which is neutral and non-polar, with isoleucine, which is neutral and non-polar, at codon 774 of the SIN3B protein (p.Leu774Ile).